The following is an entry in ClinVar:

ClinVar aggregate classification (germline): Uncertain significance. Review status: criteria provided, multiple submitters, no conflicts (2 of 4 stars). 2 submissions from 2 submitters: Uncertain significance (2). Last evaluated 2025-04-25.

Conditions:
Inborn genetic diseases. Identifiers: MedGen C0950123, MeSH D030342.

Allele frequency attached by ClinVar (database versions not stated): 1000 Genomes Project 0.00020; gnomAD 0.00029 and 0.00027; gnomAD exomes 0.00008; TOPMed 0.00033; ESP Exome Variant Server 0.00046; ExAC 0.00004; 1000 Genomes Project 30x 0.00016.
gnomAD v4.1: 84 of 1,614,212 alleles (0.0052%); highest among the groups gnomAD compares: African/African-American, 0.092%; no homozygotes.

Submissions (2):

Ambry Genetics
Classification: Uncertain significance for Inborn genetic diseases. Last evaluated: 2025-04-25. Review status: criteria provided, single submitter. Criteria: Ambry Variant Classification Scheme 2023. Collection method: clinical testing. Allele origin: germline.

GeneDx
Classification: Uncertain significance. Last evaluated: 2019-12-30. Review status: criteria provided, single submitter. Criteria: GeneDx Variant Classification Process June 2021. Collection method: clinical testing. Allele origin: germline. Affected: yes.
Comment: Has not been previously published as pathogenic or benign to our knowledge; In silico analysis, which includes protein predictors and evolutionary conservation, supports that this variant does not alter protein structure/function

NM_014918.5(CHSY1):c.1229T>C (p.Met410Thr)

Gene: CHSY1 (chondroitin sulfate synthase 1; minus strand). Cytogenetic location: 15q26.3.
Variant type: single nucleotide variant.
Coding change: c.1229T>C on transcript NM_014918.5 (MANE Select); coding-DNA position 1229, T replaced by C.
Protein change: p.Met410Thr; replaces methionine 410 with threonine.
Molecular consequence: missense variant.
Genome position (GRCh38, 1-based): chr15:101,178,568, A>G on the plus strand (T>C on the coding strand, the complement: CHSY1 is on the minus strand). VCF-style: chr15-101178568-A-G. GRCh37 (hg19) VCF-style: chr15-101718773-A-G.
Other names: short protein forms M410T.
Identifiers: ClinVar variation 1316073 (VCV001316073.5), dbSNP rs146953247, ClinGen allele CA7762572.